The following is an entry in ClinVar:

ClinVar aggregate classification (germline): Uncertain significance (1 of 4 stars; one submission).

Submission:

GeneDx
Classification: Uncertain significance. Last evaluated: 2022-04-28. Review status: criteria provided, single submitter. Criteria: GeneDx Variant Classification Process June 2021. Collection method: clinical testing. Allele origin: germline. Affected: yes.
Comment: Not observed at significant frequency in large population cohorts (gnomAD); In silico analysis supports a deleterious effect on protein structure/function; Has not been previously published as pathogenic or benign to our knowledge.

NM_001457.4(FLNB):c.4219_4221delinsTCT (p.Pro1407Ser)

Gene: FLNB (filamin B; plus strand). Cytogenetic location: 3p14.3.
Variant type: Indel.
Coding change: c.4219_4221delinsTCT on transcript NM_001457.4 (MANE Select); coding-DNA positions 4219 to 4221, CCC replaced by TCT.
Protein change: p.Pro1407Ser; replaces proline 1407 with serine.
Molecular consequence: missense variant.
Genome position (GRCh38, 1-based): chr3:58,126,759-58,126,761, CCC replaced by TCT. VCF-style: chr3-58126759-CCC-TCT. GRCh37 (hg19) VCF-style: chr3-58112486-CCC-TCT.
Other names: c.4219_4221delinsTCT, p.Pro1407Ser (NM_001164317.2, NM_001164318.2, NM_001164319.2); short protein forms P1407S.
Identifiers: ClinVar variation 1712572 (VCV001712572.2), dbSNP rs2471135101, ClinGen allele CA2580070375.